The following is an entry in ClinVar:

ClinVar aggregate classification (germline): Benign (1 of 4 stars; one submission).

Submission:

GeneDx
Classification: Benign. Last evaluated: 2018-06-19. Review status: criteria provided, single submitter. Criteria: GeneDx Variant Classification (06012015). Collection method: clinical testing. Allele origin: germline. Affected: yes.
Comment: This variant is considered likely benign or benign based on one or more of the following criteria: it is a conservative change, it occurs at a poorly conserved position in the protein, it is predicted to be benign by multiple in silico algorithms, and/or has population frequency not consistent with disease.

NM_000027.4(AGA):c.282-176del

Gene: AGA (aspartylglucosaminidase; minus strand). Cytogenetic location: 4q34.3.
Variant type: Deletion.
Coding change: c.282-176del on transcript NM_000027.4 (MANE Select); 176 bases into the intron before coding-DNA position 282, one base deleted (T; older notation c.282-176delT).
Molecular consequence: intron variant.
Genome position (GRCh38, 1-based): chr4:177,439,864, A deleted on the plus strand (T on the coding strand, the reverse complement: AGA is on the minus strand); the first of 8 consecutive A bases (chr4:177,439,864-177,439,871); deleting any one gives the same sequence. VCF-style (leftmost placement, unchanged base first): chr4-177439863-GA-G. GRCh37 (hg19) VCF-style: chr4-178361017-GA-G.
Other names: c.282-176del (NM_001171988.2).
Identifiers: ClinVar variation 683239 (VCV000683239.1), dbSNP rs11312963, ClinGen allele CA110790444.